The following is an entry in ClinVar:

ClinVar aggregate classification (germline): Uncertain significance (1 of 4 stars; one submission).

gnomAD v4.1: 2 of 1,612,172 alleles (0.00012%); highest among the groups gnomAD compares: South Asian, 0.0011%; no homozygotes.

Submission:

Labcorp Genetics (formerly Invitae), Labcorp
Classification: Uncertain significance. Last evaluated: 2025-11-26. Review status: criteria provided, single submitter. Criteria: Invitae Variant Classification Sherloc (09022015). Collection method: clinical testing. Allele origin: germline.
Comment: This sequence change creates a premature translational stop signal (p.Tyr319*) in the RASA2 gene. It is expected to result in an absent or disrupted protein product. However, the current clinical and genetic evidence is not sufficient to establish whether loss-of-function variants in RASA2 cause disease. This variant is present in population databases (rs746485118, gnomAD 0.0009%). This variant has not been reported in the literature in individuals affected with RASA2-related conditions. In summary, the available evidence is currently insufficient to determine the role of this variant in disease. Therefore, it has been classified as a Variant of Uncertain Significance.

NM_006506.5(RASA2):c.957C>A (p.Tyr319Ter)

Gene: RASA2 (RAS p21 protein activator 2; plus strand). Cytogenetic location: 3q23.
Variant type: single nucleotide variant.
Coding change: c.957C>A on transcript NM_006506.5 (MANE Select); coding-DNA position 957, C replaced by A.
Protein change: p.Tyr319Ter; replaces tyrosine 319 with a stop codon.
Molecular consequence: nonsense.
Genome position (GRCh38, 1-based): chr3:141,571,005, C>A. VCF-style: chr3-141571005-C-A. GRCh37 (hg19) VCF-style: chr3-141289847-C-A.
Other names: c.957C>A, p.Tyr319Ter (NM_001303245.3, NM_001303246.3); short protein forms Y319*.
Identifiers: ClinVar variation 4732049 (VCV004732049.1).